The following is an entry in ClinVar:

NM_001292063.2(OTOG):c.4565C>T (p.Ser1522Phe)

Gene: OTOG (otogelin; plus strand). Cytogenetic location: 11p15.1.
Variant type: single nucleotide variant.
Coding change: c.4565C>T on transcript NM_001292063.2 (MANE Select); coding-DNA position 4565, C replaced by T.
Protein change: p.Ser1522Phe; replaces serine 1522 with phenylalanine.
Molecular consequence: missense variant.
Genome position (GRCh38, 1-based): chr11:17,609,865, C>T. VCF-style: chr11-17609865-C-T. GRCh37 (hg19) VCF-style: chr11-17631412-C-T.
Other names: c.4601C>T, p.Ser1534Phe (NM_001277269.2); short protein forms S1522F, S1534F.
Identifiers: ClinVar variation 4998599 (VCV004998599.1).

ClinVar aggregate classification (germline): Uncertain significance (1 of 4 stars; one submission).

Conditions:
OTOG-related disorder. Also called: OTOG-related condition.

gnomAD v4.1: 2 of 1,517,910 alleles (0.00013%); highest among the groups gnomAD compares: Non-Finnish European, 0.00018%; no homozygotes.

Submission:

PreventionGenetics, part of Exact Sciences
Classification: Uncertain significance for OTOG-related condition. Last evaluated: 2025-01-13. Review status: criteria provided, single submitter. Criteria: ACMG Guidelines, 2015. Collection method: clinical testing. Allele origin: germline.
Comment: The OTOG c.4601C>T variant is predicted to result in the amino acid substitution p.Ser1534Phe. To our knowledge, this variant has not been reported in the literature or in a large population database (gnomAD), indicating this variant is rare. At this time, the clinical significance of this variant is uncertain due to the absence of conclusive functional and genetic evidence.